The following is an entry in ClinVar:

ClinVar aggregate classification (germline): Conflicting classifications of pathogenicity. Review status: criteria provided, conflicting classifications (1 of 4 stars). 5 submissions from 5 submitters: Uncertain significance (1); Likely benign (3). 1 of the submissions does not count toward it. Last evaluated 2026-01-26.

Conditions:
ANK2-related disorder. Also called: ANK2-related condition.
Cardiovascular phenotype. Identifiers: MedGen CN230736.
Long QT syndrome (LQTS). Identifiers: MedGen C0023976, MeSH D008133, MONDO:0002442. Disease mechanism: loss of function. Inheritance: Various modes of inheritance.

Allele frequency attached by ClinVar (database versions not stated): TOPMed 0.00010.
gnomAD v4.1: 57 of 1,613,784 alleles (0.0035%); highest among the groups gnomAD compares: Admixed American, 0.065%; no homozygotes.

Submissions (5):

Labcorp Genetics (formerly Invitae), Labcorp
Classification: Likely benign for Long QT syndrome. Last evaluated: 2026-01-26. Review status: criteria provided, single submitter. Criteria: Invitae Variant Classification Sherloc (09022015). Collection method: clinical testing. Allele origin: germline.

Ambry Genetics
Classification: Likely benign for Cardiovascular phenotype. Last evaluated: 2025-03-17. Review status: criteria provided, single submitter. Criteria: Ambry Variant Classification Scheme 2023. Collection method: clinical testing. Allele origin: germline.

Blueprint Genetics
Classification: Likely benign. Last evaluated: 2024-08-07. Review status: criteria provided, single submitter. Criteria: ACMG Guidelines, 2015. Collection method: clinical testing. Allele origin: germline.

GeneDx
Classification: Uncertain significance. Last evaluated: 2024-02-01. Review status: criteria provided, single submitter. Criteria: GeneDx Variant Classification Process June 2021. Collection method: clinical testing. Allele origin: germline. Affected: yes.
Comment: In silico analysis supports that this missense variant does not alter protein structure/function; Has not been previously published as pathogenic or benign to our knowledge

PreventionGenetics, part of Exact Sciences
Classification: Likely benign for ANK2-related condition. Last evaluated: 2024-04-15. Review status: no assertion criteria provided. Collection method: clinical testing. Allele origin: germline. Not counted in ClinVar's aggregate classification.
Comment: This variant is classified as likely benign based on ACMG/AMP sequence variant interpretation guidelines (Richards et al. 2015 PMID: 25741868, with internal and published modifications).

NM_001148.6(ANK2):c.10976G>A (p.Arg3659His)

Gene: ANK2 (ankyrin 2; plus strand). Cytogenetic location: 4q26.
Variant type: single nucleotide variant.
Coding change: c.10976G>A on transcript NM_001148.6 (MANE Select); coding-DNA position 10976, G replaced by A.
Protein change: p.Arg3659His; replaces arginine 3659 with histidine.
Molecular consequence: missense variant.
Genome position (GRCh38, 1-based): chr4:113,365,126, G>A. VCF-style: chr4-113365126-G-A. GRCh37 (hg19) VCF-style: chr4-114286282-G-A.
Other names: c.4694G>A, p.Arg1565His (NM_001127493.3); c.4733G>A, p.Arg1578His (NM_001354225.2); c.4622G>A, p.Arg1541His (NM_001354228.2, NM_001354258.2); c.4700G>A, p.Arg1567His (NM_001354230.2); c.4763G>A, p.Arg1588His (NM_001354231.2, NM_001354242.2); c.4757G>A, p.Arg1586His (NM_001354232.2); c.4718G>A, p.Arg1573His (NM_001354235.2, NM_001354246.2, NM_001354265.2); c.4619G>A, p.Arg1540His (NM_001354236.2); and 35 more; short protein forms R1565H, R3659H, R1474H, R1479H, R1487H, R1508H, R1520H, R1564H.
Identifiers: ClinVar variation 457014 (VCV000457014.20), dbSNP rs556640912, ClinGen allele CA3052174.